The following is an entry in ClinVar:

NM_207361.6(FREM2):c.4031G>A (p.Arg1344His)

Gene: FREM2 (FRAS1 related extracellular matrix 2; plus strand). Cytogenetic location: 13q13.3.
Variant type: single nucleotide variant.
Coding change: c.4031G>A on transcript NM_207361.6 (MANE Select); coding-DNA position 4031, G replaced by A.
Protein change: p.Arg1344His; replaces arginine 1344 with histidine.
Molecular consequence: missense variant.
Genome position (GRCh38, 1-based): chr13:38,691,375, G>A. VCF-style: chr13-38691375-G-A. GRCh37 (hg19) VCF-style: chr13-39265512-G-A.
Other names: short protein forms R1344H.
Identifiers: ClinVar variation 311971 (VCV000311971.47), dbSNP rs143044921, ClinGen allele CA6954906.

ClinVar aggregate classification (germline): Benign/Likely benign. Review status: criteria provided, multiple submitters, no conflicts (2 of 4 stars). 14 submissions from 14 submitters: Benign (4); Likely benign (4). 6 of the submissions do not count toward it. Last evaluated 2026-06-01.

Conditions:
Congenital anomaly of kidney and urinary tract. Also called: Congenital anomalies of kidney and urinary tract; Congenital anomalies of the kidney and urinary tract. Identifiers: Orphanet 93545, MedGen C1968949, MeSH C566906, MONDO:0019719.
Isolated cryptophthalmia. Also called: ANKYLOBLEPHARON, SIMPLE; Cryptophthalmos, unilateral or bilateral, isolated. Identifiers: Orphanet 91396, MedGen C1852453, MONDO:0007410, OMIM 123570.
Fraser syndrome 2 (FRASRS2). Identifiers: MedGen C4540036, MONDO:0054738, OMIM 617666.
Congenital diaphragmatic hernia. Also called: DIH; Congenital diaphragmatic defect; Unilateral agenesis of diaphragm; Agenesis of hemidiaphragm. Identifiers: Orphanet 2140, MedGen C0235833, MeSH D065630, MONDO:0005711, HP:0000776.
FREM2-related disorder. Also called: FREM2-related condition.

Allele frequency attached by ClinVar (database versions not stated): 1000 Genomes Project 30x 0.00156; TOPMed 0.00166; ESP Exome Variant Server 0.00192; 1000 Genomes Project 0.00200; gnomAD exomes 0.00354; ExAC 0.00371; gnomAD 0.00430.

Submissions (14):

CeGaT Center for Human Genetics Tuebingen
Classification: Likely benign. Last evaluated: 2026-06-01. Review status: criteria provided, single submitter. Criteria: CeGaT Center For Human Genetics Tuebingen Variant Classification Criteria Version 2. Collection method: clinical testing. Allele origin: germline. Affected: yes. Observed: 6 variant alleles.
Comment: FREM2: BP4, BS2

Labcorp Genetics (formerly Invitae), Labcorp
Classification: Benign. Last evaluated: 2026-02-04. Review status: criteria provided, single submitter. Criteria: Invitae Variant Classification Sherloc (09022015). Collection method: clinical testing. Allele origin: germline.

Dasa
Classification: Benign. Last evaluated: 2025-10-09. Review status: criteria provided, single submitter. Criteria: DASA Assertion Criteria. Collection method: clinical testing. Allele origin: germline.
Comment: NM_207361.6(FREM2):c.4031G>A (p.Arg1344His) is interpreted as benign based on a combination of available evidence, which may include population frequency, observations in unaffected individuals, intact protein function, lack of segregation with disease, in silico models, amino acid conservation, lack of disease association in case-control studies, and/or inconsistency with the known disease mechanism or impacted region. Based on the available data, this variant is classified as benign.

Women's Health and Genetics/Laboratory Corporation of America, LabCorp
Classification: Benign. Last evaluated: 2023-12-12. Review status: criteria provided, single submitter. Criteria: LabCorp Variant Classification Summary - May 2015. Collection method: clinical testing. Allele origin: germline.
Comment: Variant summary: FREM2 c.4031G>A (p.Arg1344His) results in a non-conservative amino acid change in the encoded protein sequence. Three of five in-silico tools predict a benign effect of the variant on protein function. The variant allele was found at a frequency of 0.0035 in 251390 control chromosomes in the gnomAD database, including 10 homozygotes. The observed variant frequency is approximately 2.8 fold of the estimated maximal expected allele frequency for a pathogenic variant in FREM2 causing Cryptophthalmos Syndrome phenotype (0.0013), strongly suggesting that the variant is benign. To our knowledge, no penetrant association of c.4031G>A in individuals affected with Cryptophthalmos Syndrome and no experimental evidence demonstrating its impact on protein function have been reported. Based on the evidence outlined above, the variant was classified as benign.

Fulgent Genetics
Classification: Likely benign for Isolated cryptophthalmia; Fraser syndrome 2. Last evaluated: 2022-04-06. Review status: criteria provided, single submitter. Criteria: ACMG Guidelines, 2015. Collection method: clinical testing. Allele origin: unknown.

Johns Hopkins Genomics, Johns Hopkins University
Classification: Benign for Fraser syndrome 2. Last evaluated: 2020-09-24. Review status: criteria provided, single submitter. Criteria: ACMG Guidelines, 2015. Collection method: clinical testing. Allele origin: germline.

Illumina Laboratory Services, Illumina
Classification: Likely benign for Fraser syndrome 2. Last evaluated: 2018-01-13. Review status: criteria provided, single submitter. Criteria: ICSL Variant Classification Criteria 13 December 2019. Collection method: clinical testing. Allele origin: germline.
Comment: This variant was observed in the ICSL laboratory as part of a predisposition screen in an ostensibly healthy population. It had not been previously curated by ICSL or reported in the Human Gene Mutation Database (HGMD: prior to June 1st, 2018), and was therefore a candidate for classification through an automated scoring system. Utilizing variant allele frequency, disease prevalence and penetrance estimates, and inheritance mode, an automated score was calculated to assess if this variant is too frequent to cause the disease. Based on the score and internal cut-off values, a variant classified as likely benign is not then subjected to further curation. The score for this variant resulted in a classification of likely benign for this disease.

Breakthrough Genomics
Classification: Likely benign. Review status: criteria provided, single submitter. Criteria: ACMG Guidelines, 2015. Collection method: not provided. Allele origin: germline. Inheritance: Autosomal recessive inheritance. Affected: yes.

PreventionGenetics, part of Exact Sciences
Classification: Benign for FREM2-related condition. Last evaluated: 2021-01-05. Review status: no assertion criteria provided. Collection method: clinical testing. Allele origin: germline. Not counted in ClinVar's aggregate classification.
Comment: This variant is classified as benign based on ACMG/AMP sequence variant interpretation guidelines (Richards et al. 2015 PMID: 25741868, with internal and published modifications).

Yale Center for Mendelian Genomics, Yale University
Classification: Likely pathogenic for Congenital anomaly of kidney and urinary tract. Last evaluated: 2018-08-24. Review status: no assertion criteria provided. Collection method: literature only. Allele origin: germline. Affected: yes. Observed: 2 compound heterozygotes. Study: Yale Center for Mendelian Genomics. Not counted in ClinVar's aggregate classification.

Daryl Scott Lab, Baylor College of Medicine
Classification: risk factor for Congenital diaphragmatic hernia. Last evaluated: 2016-11-09. Review status: no assertion criteria provided. Collection method: research. Allele origin: inherited. Affected: yes. Observed: 2 heterozygotes. Clinical features observed: Diaphragmatic eventration, Umbilical hernia, Ventricular septal defect, Pectus excavatum, Bilateral hydronephrosis, Cryptorchidism, Inguinal hernia. Not counted in ClinVar's aggregate classification.

Clinical Genetics DNA and cytogenetics Diagnostics Lab, Erasmus MC, Erasmus Medical Center
Classification: Likely benign. Review status: no assertion criteria provided. Collection method: clinical testing. Allele origin: germline. Affected: yes. Study: VKGL Data-share Consensus. Not counted in ClinVar's aggregate classification.

Genome Diagnostics Laboratory, University Medical Center Utrecht
Classification: Likely benign. Review status: no assertion criteria provided. Collection method: clinical testing. Allele origin: germline. Affected: yes. Study: VKGL Data-share Consensus. Not counted in ClinVar's aggregate classification.

Laboratory of Diagnostic Genome Analysis, Leiden University Medical Center (LUMC)
Classification: Likely benign. Review status: no assertion criteria provided. Collection method: clinical testing. Allele origin: germline. Affected: yes. Study: VKGL Data-share Consensus. Not counted in ClinVar's aggregate classification.

Literature cited by the submitters: PubMed 30143558 (cited by Yale Center for Mendelian Genomics, Yale University).